The following is an entry in ClinVar:

ClinVar aggregate classification (germline): Likely pathogenic (1 of 4 stars; one submission).

Submission:

Labcorp Genetics (formerly Invitae), Labcorp
Classification: Likely pathogenic. Last evaluated: 2024-05-11. Review status: criteria provided, single submitter. Criteria: Invitae Variant Classification Sherloc (09022015). Collection method: clinical testing. Allele origin: germline.
Comment: This sequence change affects an acceptor splice site in intron 26 of the OPA1 gene. It is expected to disrupt RNA splicing. Variants that disrupt the donor or acceptor splice site typically lead to a loss of protein function (PMID: 16199547), and loss-of-function variants in OPA1 are known to be pathogenic (PMID: 11440988, 20157015, 20952381, 25012220). This variant is not present in population databases (gnomAD no frequency). Disruption of this splice site has been observed in individual(s) with autosomal dominant optic atrophy (PMID: 24907432). Algorithms developed to predict the effect of sequence changes on RNA splicing suggest that this variant may disrupt the consensus splice site. In summary, the currently available evidence indicates that the variant is pathogenic, but additional data are needed to prove that conclusively. Therefore, this variant has been classified as Likely Pathogenic.

Literature cited by the submitters: PubMed 16199547; PubMed 11440988; PubMed 20157015; PubMed 20952381; PubMed 25012220; PubMed 24907432.

NM_130837.3(OPA1):c.2873-2A>T

Gene: OPA1 (OPA1 mitochondrial dynamin like GTPase; plus strand). Cytogenetic location: 3q29.
Variant type: single nucleotide variant.
Coding change: c.2873-2A>T on transcript NM_130837.3 (MANE Select); the canonical splice acceptor site of the intron before coding-DNA position 2873, A replaced by T.
Molecular consequence: splice acceptor variant.
Genome position (GRCh38, 1-based): chr3:193,667,168, A>T. VCF-style: chr3-193667168-A-T. GRCh37 (hg19) VCF-style: chr3-193384957-A-T.
Other names: c.2711-2A>T (NM_130833.3); c.2600-2A>T (NM_130831.3); c.2762-2A>T (NM_130834.3); c.2819-2A>T (NM_130836.3); c.2708-2A>T (NM_015560.3); c.2765-2A>T (NM_130835.3); c.2654-2A>T (NM_130832.3); c.2336-2A>T (NM_001354664.2); and 1 more.
Identifiers: ClinVar variation 3720555 (VCV003720555.2).